The following is an entry in ClinVar:

NM_018344.6(SLC29A3):c.1028C>G (p.Thr343Ser)

Gene: SLC29A3 (solute carrier family 29 member 3; plus strand). Cytogenetic location: 10q22.1.
Variant type: single nucleotide variant.
Coding change: c.1028C>G on transcript NM_018344.6 (MANE Select); coding-DNA position 1028, C replaced by G.
Protein change: p.Thr343Ser; replaces threonine 343 with serine.
Molecular consequence: missense variant. On other transcripts: 3 prime UTR variant (1), non-coding transcript variant (2).
Genome position (GRCh38, 1-based): chr10:71,362,208, C>G. VCF-style: chr10-71362208-C-G. GRCh37 (hg19) VCF-style: chr10-73121965-C-G.
Other names: c.*257C>G (NM_001174098.2); c.794C>G, p.Thr265Ser (NM_001363518.2); short protein forms T265S, T343S.
Identifiers: ClinVar variation 1418937 (VCV001418937.8), dbSNP rs1427868949, ClinGen allele CA377115714.

ClinVar aggregate classification (germline): Uncertain significance (1 of 4 stars; one submission).

Conditions:
H syndrome. Also called: FAISALABAD HISTIOCYTOSIS; HISTIOCYTOSIS AND LYMPHADENOPATHY WITH OR WITHOUT CUTANEOUS, CARDIAC, AND/OR ENDOCRINE FEATURES, JOINT CONTRACTURES, AND/OR DEAFNESS; HYPERPIGMENTATION, CUTANEOUS, WITH HYPERTRICHOSIS, HEPATOSPLENOMEGALY, HEART ANOMALIES, AND HYPOGONADISM WITH OR WITHOUT HEARING LOSS; PIGMENTED HYPERTRICHOSIS WITH INSULIN-DEPENDENT DIABETES MELLITUS; ROSAI-DORFMAN DISEASE, FAMILIAL; SINUS HISTIOCYTOSIS AND MASSIVE LYMPHADENOPATHY. Identifiers: Orphanet 168569, MedGen C1864445, MONDO:0011273, OMIM 602782.

Submission:

Labcorp Genetics (formerly Invitae), Labcorp
Classification: Uncertain significance for H syndrome. Last evaluated: 2020-10-27. Review status: criteria provided, single submitter. Criteria: Invitae Variant Classification Sherloc (09022015). Collection method: clinical testing. Allele origin: germline.
Comment: In summary, the available evidence is currently insufficient to determine the role of this variant in disease. Therefore, it has been classified as a Variant of Uncertain Significance. Algorithms developed to predict the effect of missense changes on protein structure and function (SIFT, PolyPhen-2, Align-GVGD) all suggest that this variant is likely to be tolerated, but these predictions have not been confirmed by published functional studies and their clinical significance is uncertain. This variant has not been reported in the literature in individuals with SLC29A3-related conditions. This variant is not present in population databases (ExAC no frequency). This sequence change replaces threonine with serine at codon 343 of the SLC29A3 protein (p.Thr343Ser). The threonine residue is moderately conserved and there is a small physicochemical difference between threonine and serine.